The following is an entry in ClinVar:

NM_005359.6(SMAD4):c.16A>G (p.Ile6Val)

Gene: SMAD4 (SMAD family member 4; plus strand). Cytogenetic location: 18q21.2.
Variant type: single nucleotide variant.
Coding change: c.16A>G on transcript NM_005359.6 (MANE Select); coding-DNA position 16, A replaced by G.
Protein change: p.Ile6Val; replaces isoleucine 6 with valine.
Molecular consequence: missense variant.
Genome position (GRCh38, 1-based): chr18:51,047,062, A>G. VCF-style: chr18-51047062-A-G. GRCh37 (hg19) VCF-style: chr18-48573432-A-G.
Other names: short protein forms I6V.
Identifiers: ClinVar variation 484798 (VCV000484798.22), dbSNP rs1376500870, ClinGen allele CA402457227.

ClinVar aggregate classification (germline): Conflicting classifications of pathogenicity. Review status: criteria provided, conflicting classifications (1 of 4 stars). 5 submissions from 5 submitters: Uncertain significance (4); Benign (1). Last evaluated 2025-09-03.

Conditions:
Familial thoracic aortic aneurysm and aortic dissection (TAAD). Also called: Thoracic aortic aneurysms and dissections. Identifiers: Orphanet 91387, MedGen C4707243, MONDO:0019625.
Hereditary cancer-predisposing syndrome. Also called: Hereditary neoplastic syndrome; Neoplastic Syndromes, Hereditary; Tumor predisposition; Hereditary Cancer Syndrome. Identifiers: Orphanet 140162, MedGen C0027672, MeSH D009386, MONDO:0015356.
Juvenile polyposis syndrome (JPS). Identifiers: Orphanet 2929, MedGen C0345893, MONDO:0017380, OMIM 174900.

Allele frequency attached by ClinVar (database versions not stated): gnomAD exomes below 0.00001.
gnomAD v4.1: 1 of 1,613,876 alleles (0.000062%); highest among the groups gnomAD compares: Admixed American, 0.0017%; no homozygotes.

Submissions (5):

Color Diagnostics, LLC DBA Color Health
Classification: Uncertain significance for Hereditary cancer-predisposing syndrome. Last evaluated: 2025-09-03. Review status: criteria provided, single submitter. Criteria: ACMG Guidelines, 2015. Collection method: clinical testing. Allele origin: germline.
Comment: This missense variant replaces isoleucine with valine at codon 6 of the SMAD4 protein. Computational prediction suggests that this variant may not impact protein structure and function. To our knowledge, functional studies have not been reported for this variant. This variant has not been reported in individuals affected with SMAD4-related disorders in the literature. This variant has been identified in 1/251294 chromosomes in the general population by the Genome Aggregation Database (gnomAD). The available evidence is insufficient to determine the role of this variant in disease conclusively. Therefore, this variant is classified as a Variant of Uncertain Significance.

Labcorp Genetics (formerly Invitae), Labcorp
Classification: Benign for Juvenile polyposis syndrome. Last evaluated: 2025-08-11. Review status: criteria provided, single submitter. Criteria: Invitae Variant Classification Sherloc (09022015). Collection method: clinical testing. Allele origin: germline.

Ambry Genetics
Classification: Uncertain significance for Hereditary cancer-predisposing syndrome; Familial thoracic aortic aneurysm and aortic dissection. Last evaluated: 2025-03-17. Review status: criteria provided, single submitter. Criteria: Ambry Variant Classification Scheme 2023. Collection method: clinical testing. Allele origin: germline.

Women's Health and Genetics/Laboratory Corporation of America, LabCorp
Classification: Uncertain significance. Last evaluated: 2024-10-03. Review status: criteria provided, single submitter. Criteria: LabCorp Variant Classification Summary - May 2015. Collection method: clinical testing. Allele origin: germline.
Comment: Variant summary: SMAD4 c.16A>G (p.Ile6Val) results in a conservative amino acid change in the encoded protein sequence. Three of five in-silico tools predict a benign effect of the variant on protein function. The variant allele was found at a frequency of 4e-06 in 251294 control chromosomes. The available data on variant occurrences in the general population are insufficient to allow any conclusion about variant significance. To our knowledge, no occurrence of c.16A>G in individuals affected with Juvenile Polyposis Syndrome and no experimental evidence demonstrating its impact on protein function have been reported. ClinVar contains an entry for this variant (Variation ID: 484798). Based on the evidence outlined above, the variant was classified as uncertain significance.

GeneDx
Classification: Uncertain significance. Last evaluated: 2021-04-14. Review status: criteria provided, single submitter. Criteria: GeneDx Variant Classification Process June 2021. Collection method: clinical testing. Allele origin: germline. Affected: yes.
Comment: Has not been previously published as pathogenic or benign to our knowledge; Not observed at a significant frequency in large population cohorts (Lek et al., 2016); In silico analysis supports that this missense variant does not alter protein structure/function; Reported in ClinVar as a variant of uncertain significance (ClinVar Variant ID# 484798; Landrum et al., 2016)